The following is an entry in ClinVar:

NM_001698.3(AUH):c.860G>C (p.Arg287Thr)

Gene: AUH (AU RNA binding methylglutaconyl-CoA hydratase; minus strand). Cytogenetic location: 9q22.31.
Variant type: single nucleotide variant.
Coding change: c.860G>C on transcript NM_001698.3 (MANE Select); coding-DNA position 860, G replaced by C.
Protein change: p.Arg287Thr; replaces arginine 287 with threonine.
Molecular consequence: missense variant.
Genome position (GRCh38, 1-based): chr9:91,217,311, C>G on the plus strand (G>C on the coding strand, the complement: AUH is on the minus strand). VCF-style: chr9-91217311-C-G. GRCh37 (hg19) VCF-style: chr9-93979593-C-G.
Other names: c.773G>C, p.Arg258Thr (NM_001306190.2); c.533G>C, p.Arg178Thr (NM_001351431.2, NM_001351432.2, NM_001351433.2); short protein forms R178T, R287T, R258T.
Identifiers: ClinVar variation 1460740 (VCV001460740.6), dbSNP rs1826877739, ClinGen allele CA373835770.

ClinVar aggregate classification (germline): Uncertain significance (1 of 4 stars; one submission).

Conditions:
3-methylglutaconic aciduria type 1 (MGCA1). Identifiers: Orphanet 67046, MedGen C0342727, MONDO:0009610, OMIM 250950.

Allele frequency attached by ClinVar (database versions not stated): gnomAD 0.00001.
gnomAD v4.1: 1 of 1,613,740 alleles (0.000062%); highest among the groups gnomAD compares: African/African-American, 0.0013%; no homozygotes.

Submission:

Labcorp Genetics (formerly Invitae), Labcorp
Classification: Uncertain significance for 3-methylglutaconic aciduria type 1. Last evaluated: 2022-07-18. Review status: criteria provided, single submitter. Criteria: Invitae Variant Classification Sherloc (09022015). Collection method: clinical testing. Allele origin: germline.
Comment: In summary, the available evidence is currently insufficient to determine the role of this variant in disease. Therefore, it has been classified as a Variant of Uncertain Significance. Algorithms developed to predict the effect of missense changes on protein structure and function (SIFT, PolyPhen-2, Align-GVGD) all suggest that this variant is likely to be disruptive. ClinVar contains an entry for this variant (Variation ID: 1460740). This variant has not been reported in the literature in individuals affected with AUH-related conditions. This variant is not present in population databases (gnomAD no frequency). This sequence change replaces arginine, which is basic and polar, with threonine, which is neutral and polar, at codon 287 of the AUH protein (p.Arg287Thr).